The following is an entry in ClinVar:

NM_032608.7(MYO18B):c.3566G>C (p.Ser1189Thr)

Gene: MYO18B (myosin XVIIIB; plus strand). Cytogenetic location: 22q12.1.
Variant type: single nucleotide variant.
Coding change: c.3566G>C on transcript NM_032608.7 (MANE Select); coding-DNA position 3566, G replaced by C.
Protein change: p.Ser1189Thr; replaces serine 1189 with threonine.
Molecular consequence: missense variant.
Genome position (GRCh38, 1-based): chr22:25,847,443, G>C. VCF-style: chr22-25847443-G-C. GRCh37 (hg19) VCF-style: chr22-26243410-G-C.
Other names: c.3569G>C, p.Ser1190Thr (NM_001318245.2); short protein forms S1189T, S1190T.
Identifiers: ClinVar variation 1971266 (VCV001971266.5), dbSNP rs1257904377, ClinGen allele CA411000131.

ClinVar aggregate classification (germline): Uncertain significance (1 of 4 stars; one submission).

Submission:

Labcorp Genetics (formerly Invitae), Labcorp
Classification: Uncertain significance. Last evaluated: 2021-12-24. Review status: criteria provided, single submitter. Criteria: Invitae Variant Classification Sherloc (09022015). Collection method: clinical testing. Allele origin: germline.
Comment: In summary, the available evidence is currently insufficient to determine the role of this variant in disease. Therefore, it has been classified as a Variant of Uncertain Significance. Algorithms developed to predict the effect of missense changes on protein structure and function are either unavailable or do not agree on the potential impact of this missense change (SIFT: "Not Available"; PolyPhen-2: "Benign"; Align-GVGD: "Not Available"). This variant has not been reported in the literature in individuals affected with MYO18B-related conditions. This variant is not present in population databases (gnomAD no frequency). This sequence change replaces serine, which is neutral and polar, with threonine, which is neutral and polar, at codon 1189 of the MYO18B protein (p.Ser1189Thr).